The following is an entry in ClinVar:

ClinVar aggregate classification (germline): Uncertain significance. Review status: criteria provided, multiple submitters, no conflicts (2 of 4 stars). 3 submissions from 3 submitters: Uncertain significance (3). Last evaluated 2023-12-20.

Conditions:
Inborn genetic diseases. Identifiers: MedGen C0950123, MeSH D030342.

Allele frequency attached by ClinVar (database versions not stated): gnomAD 0.00001; ExAC 0.00002; gnomAD exomes 0.00002 and 0.00005; TOPMed 0.00002.

Submissions (3):

Ambry Genetics
Classification: Uncertain significance for Inborn genetic diseases. Last evaluated: 2023-12-20. Review status: criteria provided, single submitter. Criteria: Ambry Variant Classification Scheme 2023. Collection method: clinical testing. Allele origin: germline.

Labcorp Genetics (formerly Invitae), Labcorp
Classification: Uncertain significance. Last evaluated: 2022-02-02. Review status: criteria provided, single submitter. Criteria: Invitae Variant Classification Sherloc (09022015). Collection method: clinical testing. Allele origin: germline.
Comment: This sequence change replaces proline, which is neutral and non-polar, with leucine, which is neutral and non-polar, at codon 438 of the PIGV protein (p.Pro438Leu). This variant is present in population databases (rs766533625, gnomAD 0.003%). This variant has not been reported in the literature in individuals affected with PIGV-related conditions. ClinVar contains an entry for this variant (Variation ID: 430404). Algorithms developed to predict the effect of missense changes on protein structure and function output the following: SIFT: "Tolerated"; PolyPhen-2: "Benign"; Align-GVGD: "Class C0". The leucine amino acid residue is found in multiple mammalian species, which suggests that this missense change does not adversely affect protein function. In summary, the available evidence is currently insufficient to determine the role of this variant in disease. Therefore, it has been classified as a Variant of Uncertain Significance.

GeneDx
Classification: Uncertain significance. Last evaluated: 2017-05-26. Review status: criteria provided, single submitter. Criteria: GeneDx Variant Classification (06012015). Collection method: clinical testing. Allele origin: germline. Affected: yes.
Comment: A variant of uncertain significance has been identified in the PIGV gene. The P438L variant has not been published as a pathogenic variant, nor has it been reported as a benign variant to our knowledge. The P438Lvariant is not observed at a significant frequency in large population cohorts (Lek et al., 2016; 1000 Genomes Consortium et al., 2015; Exome Variant Server). The P438L variant is a semi-conservative amino acid substitution, which may impact secondary protein structure as these residues differ in some properties. However, this substitution occurs at a position that is not conserved and in silico analysis predicts this variant likely does not alter the protein structure/function. Therefore, based on the currently available information, it is unclear whether this variant is a pathogenic variant or a rare benign variant.

NM_017837.4(PIGV):c.1313C>T (p.Pro438Leu)

Gene: PIGV (phosphatidylinositol glycan anchor biosynthesis class V; plus strand). Cytogenetic location: 1p36.11.
Variant type: single nucleotide variant.
Coding change: c.1313C>T on transcript NM_017837.4 (MANE Select); coding-DNA position 1313, C replaced by T.
Protein change: p.Pro438Leu; replaces proline 438 with leucine.
Molecular consequence: missense variant. On other transcripts: non-coding transcript variant (2).
Genome position (GRCh38, 1-based): chr1:26,797,675, C>T. VCF-style: chr1-26797675-C-T. GRCh37 (hg19) VCF-style: chr1-27124166-C-T.
Other names: c.1313C>T, p.Pro438Leu (NM_001202554.2, NM_001374478.1, NM_001374480.1 and 2 more transcripts); c.932C>T, p.Pro311Leu (NM_001374483.1); c.686C>T, p.Pro229Leu (NM_001374484.1, NM_001374485.1); c.191C>T, p.Pro64Leu (NM_001374486.1); short protein forms P438L, P229L, P311L, P64L.
Identifiers: ClinVar variation 430404 (VCV000430404.5), dbSNP rs766533625, ClinGen allele CA708207.